The following is an entry in ClinVar:

NM_000088.4(COL1A1):c.153C>T (p.Asp51=)

Gene: COL1A1 (collagen type I alpha 1 chain; minus strand). Cytogenetic location: 17q21.33.
Variant type: single nucleotide variant.
Coding change: c.153C>T on transcript NM_000088.4 (MANE Select); coding-DNA position 153, C replaced by T.
Protein change: p.Asp51=; no amino-acid change (aspartic acid 51 retained).
Molecular consequence: synonymous variant.
Genome position (GRCh38, 1-based): chr17:50,199,898, G>A on the plus strand (C>T on the coding strand, the complement: COL1A1 is on the minus strand). VCF-style: chr17-50199898-G-A. GRCh37 (hg19) VCF-style: chr17-48277259-G-A.
Identifiers: ClinVar variation 4847290 (VCV004847290.1).
Genomic context (GRCh38, chr17:50,199,898, plus strand): 5'-ATCGCACAACACCTTGCCGTTGTCGCAGACGCAGATCCGGCAGGGCTCGGGTTTCCACAC[G>A]TCTCGGTCATGGTACCTGAGGCCGTTCTGTACGCAGGTGATTGGTGGGACTGGGACAGGC-3'
Protein context (NP_000079.2, residues 41-61): VQNGLRYHDR[Asp51=]VWKPEPCRIC

ClinVar aggregate classification (germline): Likely benign (1 of 4 stars; one submission).

Submission:

Women's Health and Genetics/Laboratory Corporation of America, LabCorp
Classification: Likely benign. Last evaluated: 2026-03-12. Review status: criteria provided, single submitter. Criteria: LabCorp Variant Classification Summary - May 2015. Collection method: clinical testing. Allele origin: germline.
Comment: Variant summary: COL1A1 c.153C>T alters a conserved nucleotide resulting in a synonymous change. Consensus agreement among computation tools predict no significant impact on normal splicing. However, these predictions have yet to be confirmed by functional studies. The variant was absent in 251348 control chromosomes. The available data on variant occurrences in the general population are insufficient to allow any conclusion about variant significance. To our knowledge, no occurrence of c.153C>T in individuals affected with COL1A1-related conditions and no experimental evidence demonstrating its impact on protein function have been reported. No submitters have cited clinical-significance assessments for this variant to ClinVar. Based on the evidence outlined above, the variant was classified as likely benign.